The following is an entry in ClinVar:

NM_001364905.1(LRBA):c.7993A>G (p.Ser2665Gly)

Gene: LRBA (LPS responsive beige-like anchor protein; minus strand). Cytogenetic location: 4q31.3.
Variant type: single nucleotide variant.
Coding change: c.7993A>G on transcript NM_001364905.1 (MANE Select); coding-DNA position 7993, A replaced by G.
Protein change: p.Ser2665Gly; replaces serine 2665 with glycine.
Molecular consequence: missense variant.
Genome position (GRCh38, 1-based): chr4:150,302,649, T>C on the plus strand (A>G on the coding strand, the complement: LRBA is on the minus strand). VCF-style: chr4-150302649-T-C. GRCh37 (hg19) VCF-style: chr4-151223801-T-C.
Other names: c.7993A>G, p.Ser2665Gly (NM_001199282.3); c.8008A>G, p.Ser2670Gly (NM_001367550.1); c.8026A>G, p.Ser2676Gly (NM_006726.5); short protein forms S2676G, S2670G, S2665G.
Identifiers: ClinVar variation 969493 (VCV000969493.7), dbSNP rs754762630, ClinGen allele CA3101471.

ClinVar aggregate classification (germline): Uncertain significance (1 of 4 stars; one submission).

Conditions:
Combined immunodeficiency due to LRBA deficiency. Also called: Common variable immunodeficiency 8, with autoimmunity. Identifiers: Orphanet 445018, MedGen C3553512, MONDO:0013863, OMIM 614700.

Allele frequency attached by ClinVar (database versions not stated): gnomAD exomes below 0.00001 and 0.00001; gnomAD 0.00001; ExAC 0.00002; TOPMed 0.00002.
gnomAD v4.1: 6 of 1,610,992 alleles (0.00037%); highest among the groups gnomAD compares: Admixed American, 0.0017%; no homozygotes.

Submission:

Labcorp Genetics (formerly Invitae), Labcorp
Classification: Uncertain significance for Combined immunodeficiency due to LRBA deficiency. Last evaluated: 2021-09-01. Review status: criteria provided, single submitter. Criteria: Invitae Variant Classification Sherloc (09022015). Collection method: clinical testing. Allele origin: germline.
Comment: This sequence change replaces serine with glycine at codon 2676 of the LRBA protein (p.Ser2676Gly). The serine residue is weakly conserved and there is a small physicochemical difference between serine and glycine. This variant is present in population databases (rs754762630, ExAC 0.009%). This variant has not been reported in the literature in individuals affected with LRBA-related conditions. Algorithms developed to predict the effect of missense changes on protein structure and function (SIFT, PolyPhen-2, Align-GVGD) all suggest that this variant is likely to be tolerated. In summary, the available evidence is currently insufficient to determine the role of this variant in disease. Therefore, it has been classified as a Variant of Uncertain Significance.